The following is an entry in ClinVar:

ClinVar aggregate classification (germline): Benign (1 of 4 stars; one submission).

Conditions:
Familial hemophagocytic lymphohistiocytosis 4 (FHL4). Also called: STX11-Related Familial Hemophagocytic Lymphohistiocytosis (STX11-fHLH). Identifiers: Orphanet 540, MedGen C1863728, MONDO:0011336, OMIM 603552.

Allele frequency attached by ClinVar (database versions not stated): gnomAD 0.00937 and 0.01038; TOPMed 0.01074; 1000 Genomes Project 30x 0.02623; 1000 Genomes Project 0.02875.

Submission:

Illumina Laboratory Services, Illumina
Classification: Benign for Familial hemophagocytic lymphohistiocytosis 4. Last evaluated: 2018-01-13. Review status: criteria provided, single submitter. Criteria: ICSL Variant Classification Criteria 13 December 2019. Collection method: clinical testing. Allele origin: germline.
Comment: This variant was observed in the ICSL laboratory as part of a predisposition screen in an ostensibly healthy population. It had not been previously curated by ICSL or reported in the Human Gene Mutation Database (HGMD: prior to June 1st, 2018), and was therefore a candidate for classification through an automated scoring system. Utilizing variant allele frequency, disease prevalence and penetrance estimates, and inheritance mode, an automated score was calculated to assess if this variant is too frequent to cause the disease. Based on the score and internal cut-off values, a variant classified as benign is not then subjected to further curation. The score for this variant resulted in a classification of benign for this disease.

NM_003764.4(STX11):c.*4141G>A

Gene: STX11 (syntaxin 11; plus strand). Cytogenetic location: 6q24.2.
Variant type: single nucleotide variant.
Coding change: c.*4141G>A on transcript NM_003764.4 (MANE Select); 4141 bases downstream of the stop codon, G replaced by A.
Molecular consequence: 3 prime UTR variant.
Genome position (GRCh38, 1-based): chr6:144,191,632, G>A. VCF-style: chr6-144191632-G-A. GRCh37 (hg19) VCF-style: chr6-144512769-G-A.
Other names: c.*4141G>A (LRG_113t1).
Identifiers: ClinVar variation 355662 (VCV000355662.5), dbSNP rs57069580, ClinGen allele CA10626009.